The following is an entry in ClinVar:

NM_032520.5(GNPTG):c.317+2T>A

Gene: GNPTG (N-acetylglucosamine-1-phosphate transferase subunit gamma; plus strand). Cytogenetic location: 16p13.3.
Variant type: single nucleotide variant.
Coding change: c.317+2T>A on transcript NM_032520.5 (MANE Select); the canonical splice donor site of the intron after coding-DNA position 317, T replaced by A.
Molecular consequence: splice donor variant.
Genome position (GRCh38, 1-based): chr16:1,361,957, T>A. VCF-style: chr16-1361957-T-A. GRCh37 (hg19) VCF-style: chr16-1411958-T-A.
Identifiers: ClinVar variation 2866925 (VCV002866925.3), dbSNP rs2548189633, ClinGen allele CA394187096.

ClinVar aggregate classification (germline): Likely pathogenic (1 of 4 stars; one submission).

Submission:

Labcorp Genetics (formerly Invitae), Labcorp
Classification: Likely pathogenic. Last evaluated: 2023-05-22. Review status: criteria provided, single submitter. Criteria: Invitae Variant Classification Sherloc (09022015). Collection method: clinical testing. Allele origin: germline.
Comment: This sequence change affects a donor splice site in intron 5 of the GNPTG gene. It is expected to disrupt RNA splicing. Variants that disrupt the donor or acceptor splice site typically lead to a loss of protein function (PMID: 16199547), and loss-of-function variants in GNPTG are known to be pathogenic (PMID: 19370764, 20301784). This variant is not present in population databases (gnomAD no frequency). This variant has not been reported in the literature in individuals affected with GNPTG-related conditions. Algorithms developed to predict the effect of sequence changes on RNA splicing suggest that this variant may disrupt the consensus splice site. In summary, the currently available evidence indicates that the variant is pathogenic, but additional data are needed to prove that conclusively. Therefore, this variant has been classified as Likely Pathogenic.

Literature cited by the submitters: PubMed 16199547; PubMed 19370764; PubMed 20301784.